The following is an entry in ClinVar:

NM_001042492.3(NF1):c.7586del (p.Pro2529fs)

Gene: NF1 (neurofibromin 1; plus strand). Cytogenetic location: 17q11.2.
Variant type: Deletion.
Coding change: c.7586del on transcript NM_001042492.3 (MANE Select); coding-DNA position 7586, one base deleted (C; older notation c.7586delC).
Protein change: p.Pro2529fs; shifts the reading frame from proline 2529.
Molecular consequence: frameshift variant.
Genome position (GRCh38, 1-based): chr17:31,352,385, C deleted; the last of 2 consecutive C bases (chr17:31,352,384-31,352,385); deleting either gives the same sequence. VCF-style (leftmost placement, unchanged base first): chr17-31352383-AC-A. GRCh37 (hg19) VCF-style: chr17-29679401-AC-A.
Other names: c.7523delC, p.Pro2508Leufs (NM_000267.4); short protein forms P2508fs, P2529fs.
Identifiers: ClinVar variation 3363163 (VCV003363163.2).
Genomic context (GRCh38, chr17:31,352,383, plus strand): 5'-TCCAACTGTCGGCCAGACCAGTCCCCGAGCCAGGAAATCCATGAGCCTGGACATGGGGCA[AC>A]CTTCTCAGGCCAACACTAAGAAGTTGCTTGGTTAGTTTATCTAAATTATGTAGATTTTTT-3'

ClinVar aggregate classification (germline): Likely pathogenic (0 of 4 stars; one submission).

Conditions:
Neurofibromatosis, type 1 (NF1). Also called: VON RECKLINGHAUSEN DISEASE; Peripheral type neurofibromatosis; Neurofibromatosis, type I; NEUROFIBROMATOSIS, TYPE I, SOMATIC. Identifiers: Orphanet 636, MedGen C0027831, MONDO:0018975, OMIM 162200. Disease mechanism: loss of function.

Submission:

CGC Genetics, Unilabs
Classification: Likely pathogenic for Neurofibromatosis, type 1. Last evaluated: 2024-04-03. Review status: no assertion criteria provided. Collection method: clinical testing. Allele origin: unknown. Inheritance: Autosomal dominant inheritance. Affected: yes.
Comment: The variant NM_000267.3:c.7523del p.(Pro2508Leufs*19), detected in heterozygosity, has not been described in the literature, nor is it reported in the gnomAD database at the time of this submission. It is a frameshift variant that introduces a premature stop codon, which in turn is predicted to lead to the creation of a truncated protein and/or a reduction in its expression due to mRNA degradation. With the information currently available, this should be classified as a probably pathogenic variant. ACMG codes: PVS1; PM2_supporting.